The following is an entry in ClinVar:

NM_001037.5(SCN1B):c.448+18T>C

Gene: SCN1B (sodium voltage-gated channel beta subunit 1; plus strand). Cytogenetic location: 19q13.11.
Variant type: single nucleotide variant.
Coding change: c.448+18T>C on transcript NM_001037.5 (MANE Select); 18 bases into the intron after coding-DNA position 448, T replaced by C.
Molecular consequence: intron variant. On other transcripts: missense variant (1).
Genome position (GRCh38, 1-based): chr19:35,033,757, T>C. VCF-style: chr19-35033757-T-C. GRCh37 (hg19) VCF-style: chr19-35524661-T-C.
Other names: c.466T>C, p.Cys156Arg (NM_199037.5); c.349+18T>C (NM_001321605.2); short protein forms C156R.
Identifiers: ClinVar variation 938406 (VCV000938406.9), dbSNP rs2064230229, ClinGen allele CA405329105.
Genomic context (GRCh38, chr19:35,033,757, plus strand): 5'-ACCAGCGTCGTCAAGAAGATCCACATTGAGGTAGTGGACAAAGGTGAGTCGGGTGCTGCC[T>C]GCCCCTTTACCGTCACCCACCGGAGAGCCAGATGGAGGGACAGATGGCAGGCAGTGGACA-3'

ClinVar aggregate classification (germline): Uncertain significance (1 of 4 stars; one submission).

Conditions:
Brugada syndrome 5 (BRGDA5). Identifiers: Orphanet 130, Orphanet 871, MedGen C2748541, MONDO:0013015, OMIM 612838.

Submission:

Labcorp Genetics (formerly Invitae), Labcorp
Classification: Uncertain significance for Brugada syndrome 5. Last evaluated: 2020-02-10. Review status: criteria provided, single submitter. Criteria: Invitae Variant Classification Sherloc (09022015). Collection method: clinical testing. Allele origin: germline.
Comment: This sequence change replaces cysteine with arginine at codon 156 of the SCN1B protein (p.Cys156Arg). The cysteine residue is weakly conserved and there is a large physicochemical difference between cysteine and arginine. In summary, the available evidence is currently insufficient to determine the role of this variant in disease. Therefore, it has been classified as a Variant of Uncertain Significance. Algorithms developed to predict the effect of missense changes on protein structure and function are either unavailable or do not agree on the potential impact of this missense change (SIFT: "Tolerated"; PolyPhen-2: "Possibly Damaging"; Align-GVGD: "Class C0"). This variant has not been reported in the literature in individuals with SCN1B-related conditions. This variant is not present in population databases (ExAC no frequency).